The following is an entry in ClinVar:

ClinVar aggregate classification (germline): Uncertain significance (1 of 4 stars; one submission).

Conditions:
Retinitis pigmentosa 20 (RP20). Identifiers: Orphanet 791, MedGen C3151086, MONDO:0013425, OMIM 613794.
Leber congenital amaurosis 2 (LCA2). Also called: AMAUROSIS CONGENITA OF LEBER II; Autosomal Recessive RPE65-Related Retinal Degeneration. Identifiers: Orphanet 65, MedGen C1859844, MONDO:0008765, OMIM 204100. Disease mechanism: loss of function.

Submission:

Labcorp Genetics (formerly Invitae), Labcorp
Classification: Uncertain significance for Leber congenital amaurosis 2; Retinitis pigmentosa 20. Last evaluated: 2022-11-01. Review status: criteria provided, single submitter. Criteria: Invitae Variant Classification Sherloc (09022015). Collection method: clinical testing. Allele origin: germline.
Comment: In summary, the available evidence is currently insufficient to determine the role of this variant in disease. Therefore, it has been classified as a Variant of Uncertain Significance. Algorithms developed to predict the effect of sequence changes on RNA splicing suggest that this variant may create or strengthen a splice site. This variant has not been reported in the literature in individuals affected with RPE65-related conditions. This variant is not present in population databases (gnomAD no frequency). This sequence change affects codon 216 of the RPE65 mRNA. It is a 'silent' change, meaning that it does not change the encoded amino acid sequence of the RPE65 protein.

NM_000329.3(RPE65):c.648G>A (p.Lys216=)

Gene: RPE65 (retinoid isomerohydrolase RPE65; minus strand). Cytogenetic location: 1p31.3.
Variant type: single nucleotide variant.
Coding change: c.648G>A on transcript NM_000329.3 (MANE Select); coding-DNA position 648, G replaced by A.
Protein change: p.Lys216=; no amino-acid change (lysine 216 retained).
Molecular consequence: synonymous variant.
Genome position (GRCh38, 1-based): chr1:68,439,638, C>T on the plus strand (G>A on the coding strand, the complement: RPE65 is on the minus strand). VCF-style: chr1-68439638-C-T. GRCh37 (hg19) VCF-style: chr1-68905321-C-T.
Other names: c.540G>A, p.Lys180= (NM_001406853.1); c.372G>A, p.Lys124= (NM_001406856.1, NM_001406857.1); c.648G>A, p.Lys216= (NM_001406859.1).
Identifiers: ClinVar variation 2930768 (VCV002930768.3), dbSNP rs2523428126, ClinGen allele CA418281711.